The following is an entry in ClinVar:

ClinVar aggregate classification (germline): Uncertain significance (1 of 4 stars; one submission).

Allele frequency attached by ClinVar (database versions not stated): gnomAD exomes below 0.00001.
gnomAD v4.1: 5 of 1,614,140 alleles (0.00031%); highest among the groups gnomAD compares: South Asian, 0.0055%; no homozygotes.

Submission:

Biesecker Lab/Clinical Genomics Section, National Institutes of Health
Classification: Uncertain significance. Last evaluated: 2013-06-24. Review status: criteria provided, single submitter. Criteria: Ng et al. (Circ Cardiovasc Genet. 2013). Collection method: research. Allele origin: unknown. Observed: 1 variant allele. Study: ClinSeq.
Comment: The study set was not selected for affection status in relation to any cancer. Pathogenicity categories were based on literature curation. See Pubmed ID:23861362 for details.

Medical sequencing

NM_033118.4(MYLK2):c.623G>A (p.Gly208Glu)

Gene: MYLK2 (myosin light chain kinase 2; plus strand). Cytogenetic location: 20q11.21.
Variant type: single nucleotide variant.
Coding change: c.623G>A on transcript NM_033118.4 (MANE Select); coding-DNA position 623, G replaced by A.
Protein change: p.Gly208Glu; replaces glycine 208 with glutamic acid.
Molecular consequence: missense variant.
Genome position (GRCh38, 1-based): chr20:31,821,588, G>A. VCF-style: chr20-31821588-G-A. GRCh37 (hg19) VCF-style: chr20-30409391-G-A.
Other names: short protein forms G208E.
Identifiers: ClinVar variation 191739 (VCV000191739.1), dbSNP rs786205407, ClinGen allele CA237415.